The following is an entry in ClinVar:

ClinVar aggregate classification (germline): Uncertain significance. Review status: criteria provided, multiple submitters, no conflicts (2 of 4 stars). 3 submissions from 3 submitters: Uncertain significance (3). Last evaluated 2025-06-25.

Conditions:
Hereditary cancer-predisposing syndrome. Also called: Hereditary neoplastic syndrome; Tumor predisposition; Neoplastic Syndromes, Hereditary; Hereditary Cancer Syndrome. Identifiers: Orphanet 140162, MedGen C0027672, MeSH D009386, MONDO:0015356.
Oligodontia-cancer predisposition syndrome. Also called: TOOTH AGENESIS-COLORECTAL CANCER SYNDROME. Identifiers: Orphanet 300576, MedGen C1837750, MONDO:0012075, OMIM 608615. Disease mechanism: loss of function.

Submissions (3):

Labcorp Genetics (formerly Invitae), Labcorp
Classification: Uncertain significance for Oligodontia-cancer predisposition syndrome. Last evaluated: 2025-06-25. Review status: criteria provided, single submitter. Criteria: Invitae Variant Classification Sherloc (09022015). Collection method: clinical testing. Allele origin: germline.
Comment: This sequence change replaces serine, which is neutral and polar, with lysine, which is basic and polar, at codon 390 of the AXIN2 protein (p.Ser390Lys). Information on the frequency of this variant in the gnomAD database is not available, as this variant may be reported differently in the database. This variant has not been reported in the literature in individuals affected with AXIN2-related conditions. ClinVar contains an entry for this variant (Variation ID: 1349298). An algorithm developed to predict the effect of missense changes on protein structure and function (PolyPhen-2) suggests that this variant is likely to be tolerated. In summary, the available evidence is currently insufficient to determine the role of this variant in disease. Therefore, it has been classified as a Variant of Uncertain Significance.

GeneDx
Classification: Uncertain significance. Last evaluated: 2025-05-15. Review status: criteria provided, single submitter. Criteria: GeneDx Variant Classification Process June 2021. Collection method: clinical testing. Allele origin: germline. Affected: yes.
Comment: Not observed at significant frequency in large population cohorts (gnomAD); In silico analysis suggests that this variant does not alter protein structure/function; Has not been previously published as pathogenic or benign to our knowledge; This variant is associated with the following publications: (PMID: 15735151)

Ambry Genetics
Classification: Uncertain significance for Hereditary cancer-predisposing syndrome. Last evaluated: 2023-10-11. Review status: criteria provided, single submitter. Criteria: Ambry Variant Classification Scheme 2023. Collection method: clinical testing. Allele origin: germline.
Comment: The c.1169_1170delGCinsAA variant (also known as p.S390K), located in coding exon 4 of the AXIN2 gene, results from an in-frame deletion of GC and insertion of AA at nucleotide positions 1169 to 1170. This results in the substitution of the serine residue for a lysine residue at codon 390, an amino acid with dissimilar properties. This amino acid position is not well conserved in available vertebrate species. In addition, this alteration is predicted to be neutral by in silico analysis (Choi Y et al. PLoS ONE. 2012; 7(10):e46688). Since supporting evidence is limited at this time, the clinical significance of this alteration remains unclear.

NM_004655.4(AXIN2):c.1169_1170delinsAA (p.Ser390Lys)

Gene: AXIN2 (axin 2; minus strand). Cytogenetic location: 17q24.1.
Variant type: Indel.
Coding change: c.1169_1170delinsAA on transcript NM_004655.4 (MANE Select); coding-DNA positions 1169 to 1170, GC replaced by AA.
Protein change: p.Ser390Lys; replaces serine 390 with lysine.
Molecular consequence: missense variant.
Genome position (GRCh38, 1-based): chr17:65,538,233-65,538,234, GC replaced by TT on the plus strand (GC replaced by AA on the coding strand, the reverse complement: AXIN2 is on the minus strand). VCF-style: chr17-65538233-GC-TT. GRCh37 (hg19) VCF-style: chr17-63534351-GC-TT.
Other names: c.1169_1170delinsAA (NM_004655.3); c.1169_1170delGCinsAA (NM_004655.3); c.1169_1170delinsAA, p.Ser390Lys (NM_001363813.1); short protein forms S390K.
Identifiers: ClinVar variation 1349298 (VCV001349298.8), dbSNP rs2144476407, ClinGen allele CA2573154708.